The following is an entry in ClinVar:

NM_001099271.2(POC5):c.1331C>A (p.Ala444Asp)

Gene: POC5 (POC5 centriolar protein; minus strand). Cytogenetic location: 5q13.3.
Variant type: single nucleotide variant.
Coding change: c.1331C>A on transcript NM_001099271.2 (MANE Select); coding-DNA position 1331, C replaced by A.
Protein change: p.Ala444Asp; replaces alanine 444 with aspartic acid.
Molecular consequence: missense variant.
Genome position (GRCh38, 1-based): chr5:75,685,283, G>T on the plus strand (C>A on the coding strand, the complement: POC5 is on the minus strand). VCF-style: chr5-75685283-G-T. GRCh37 (hg19) VCF-style: chr5-74981108-G-T.
Other names: c.1256C>A, p.Ala419Asp (NM_152408.3); short protein forms A419D, A444D.
Identifiers: ClinVar variation 2003881 (VCV002003881.4), dbSNP rs749750536, ClinGen allele CA3310341.

ClinVar aggregate classification (germline): Uncertain significance (1 of 4 stars; one submission).

Allele frequency attached by ClinVar (database versions not stated): TOPMed 0.00002.
gnomAD v4.1: 3 of 1,614,038 alleles (0.00019%); highest among the groups gnomAD compares: Admixed American, 0.0033%; no homozygotes.

Submission:

Labcorp Genetics (formerly Invitae), Labcorp
Classification: Uncertain significance. Last evaluated: 2022-06-09. Review status: criteria provided, single submitter. Criteria: Invitae Variant Classification Sherloc (09022015). Collection method: clinical testing. Allele origin: germline.
Comment: This sequence change replaces alanine, which is neutral and non-polar, with aspartic acid, which is acidic and polar, at codon 444 of the POC5 protein (p.Ala444Asp). In summary, the available evidence is currently insufficient to determine the role of this variant in disease. Therefore, it has been classified as a Variant of Uncertain Significance. Algorithms developed to predict the effect of missense changes on protein structure and function are either unavailable or do not agree on the potential impact of this missense change (SIFT: "Not Available"; PolyPhen-2: "Probably Damaging"; Align-GVGD: "Not Available"). This variant has not been reported in the literature in individuals affected with POC5-related conditions. This variant is present in population databases (rs749750536, gnomAD 0.006%).